The following is an entry in ClinVar:

ClinVar aggregate classification (germline): Uncertain significance (1 of 4 stars; one submission).

gnomAD v4.1: 43 of 1,608,724 alleles (0.0027%); highest among the groups gnomAD compares: Non-Finnish European, 0.0036%; no homozygotes.

Submission:

GeneDx
Classification: Uncertain significance. Last evaluated: 2025-03-18. Review status: criteria provided, single submitter. Criteria: GeneDx Variant Classification Process June 2021. Collection method: clinical testing. Allele origin: germline. Affected: yes.
Comment: Not observed at significant frequency in large population cohorts (gnomAD); Missense variant in a gene in which most reported pathogenic variants are truncating/loss of function; Has not been previously published as pathogenic or benign to our knowledge

NM_001267550.2(TTN):c.98966C>T (p.Pro32989Leu)

Genes: TTN (titin; minus strand), TTN-AS1 (TTN antisense RNA 1; plus strand). Cytogenetic location: 2q31.2.
Variant type: single nucleotide variant.
Coding change: c.98966C>T on transcript NM_001267550.2 (MANE Select); coding-DNA position 98966, C replaced by T.
Protein change: p.Pro32989Leu; replaces proline 32989 with leucine.
Molecular consequence: missense variant. On other transcripts: non-coding transcript variant (1).
Genome position (GRCh38, 1-based): chr2:178,538,969, G>A on the plus strand (C>T on the coding strand, the complement: TTN is on the minus strand). VCF-style: chr2-178538969-G-A. GRCh37 (hg19) VCF-style: chr2-179403696-G-A.
Other names: c.94043C>T, p.Pro31348Leu (NM_001256850.1); c.71771C>T, p.Pro23924Leu (NM_003319.4); c.91262C>T, p.Pro30421Leu (NM_133378.4); c.72146C>T, p.Pro24049Leu (NM_133432.3); c.72347C>T, p.Pro24116Leu (NM_133437.4); short protein forms P23924L, P24049L, P24116L, P30421L, P31348L, P32989L.
Identifiers: ClinVar variation 4086598 (VCV004086598.1).